The following is an entry in ClinVar:

ClinVar aggregate classification (germline): Uncertain significance (1 of 4 stars; one submission).

Conditions:
Pitt-Hopkins syndrome (PTHS). Also called: ENCEPHALOPATHY, SEVERE EPILEPTIC, WITH AUTONOMIC DYSFUNCTION; MENTAL RETARDATION, SYNDROMAL, WITH INTERMITTENT HYPERVENTILATION. Identifiers: Orphanet 2896, MedGen C1970431, MONDO:0012589, OMIM 610954.

Submission:

Labcorp Genetics (formerly Invitae), Labcorp
Classification: Uncertain significance for Pitt-Hopkins syndrome. Last evaluated: 2018-12-16. Review status: criteria provided, single submitter. Criteria: Invitae Variant Classification Sherloc (09022015). Collection method: clinical testing. Allele origin: germline.
Comment: This variant has not been reported in the literature in individuals with TCF4-related conditions. Algorithms developed to predict the effect of missense changes on protein structure and function are either unavailable or do not agree on the potential impact of this missense change (SIFT: "Deleterious"; PolyPhen-2: "Benign"; Align-GVGD: "Class C0"). In summary, the available evidence is currently insufficient to determine the role of this variant in disease. Therefore, it has been classified as a Variant of Uncertain Significance. This variant is not present in population databases (ExAC no frequency). This sequence change replaces threonine with isoleucine at codon 75 of the TCF4 protein (p.Thr75Ile). The threonine residue is moderately conserved and there is a moderate physicochemical difference between threonine and isoleucine.

NM_001083962.2(TCF4):c.224C>T (p.Thr75Ile)

Genes: TCF4 (transcription factor 4; minus strand), TCF4-AS1 (TCF4 antisense RNA 1; plus strand). Cytogenetic location: 18q21.2.
Variant type: single nucleotide variant.
Coding change: c.224C>T on transcript NM_001083962.2 (MANE Select); coding-DNA position 224, C replaced by T.
Protein change: p.Thr75Ile; replaces threonine 75 with isoleucine.
Molecular consequence: missense variant.
Genome position (GRCh38, 1-based): chr18:55,461,099, G>A on the plus strand (C>T on the coding strand, the complement: TCF4 is on the minus strand). VCF-style: chr18-55461099-G-A. GRCh37 (hg19) VCF-style: chr18-53128330-G-A.
Other names: c.152C>T, p.Thr51Ile (NM_001369582.1, NM_001369583.1, NM_001369584.1 and 15 more transcripts); c.224C>T, p.Thr75Ile (NM_003199.3, NM_001243228.2, NM_001330604.3 and 8 more transcripts); c.530C>T, p.Thr177Ile (NM_001243226.3); c.218C>T, p.Thr73Ile (NM_001243230.2); c.98C>T, p.Thr33Ile (NM_001243231.2, NM_001348211.2); short protein forms T33I, T73I, T51I, T177I, T75I.
Identifiers: ClinVar variation 663089 (VCV000663089.8), dbSNP rs1603483692, ClinGen allele CA402703611.